The following is an entry in ClinVar:

ClinVar aggregate classification (germline): Likely pathogenic (1 of 4 stars; one submission).

Conditions:
Tibial muscular dystrophy (TMD). Also called: Tibial muscular dystrophy, tardive; UDD MYOPATHY; Udd Distal Myopathy – Tibial Muscular Dystrophy. Identifiers: Orphanet 609, MedGen C1838244, MONDO:0010870, OMIM 600334.

Submission:

Kariminejad - Najmabadi Pathology & Genetics Center
Classification: Likely pathogenic for Tibial muscular dystrophy. Last evaluated: 2022-10-15. Review status: criteria provided, single submitter. Criteria: ACMG Guidelines, 2015. Collection method: clinical testing. Allele origin: germline. Inheritance: Autosomal dominant inheritance. Affected: yes.
Comment: PVS1,PM2

NM_001267550.2(TTN):c.57263-1G>T

Genes: TTN (titin; minus strand), TTN-AS1 (TTN antisense RNA 1; plus strand). Cytogenetic location: 2q31.2.
Variant type: single nucleotide variant.
Coding change: c.57263-1G>T on transcript NM_001267550.2 (MANE Select); the canonical splice acceptor site of the intron before coding-DNA position 57263, G replaced by T.
Molecular consequence: splice acceptor variant.
Genome position (GRCh38, 1-based): chr2:178,597,820, C>A on the plus strand (G>T on the coding strand, the complement: TTN is on the minus strand). VCF-style: chr2-178597820-C-A. GRCh37 (hg19) VCF-style: chr2-179462547-C-A.
Other names: c.30068-1G>T (NM_003319.4); c.30644-1G>T (NM_133437.4); c.30443-1G>T (NM_133432.3); c.49559-1G>T (NM_133378.4); c.52340-1G>T (NM_001256850.1).
Identifiers: ClinVar variation 3897050 (VCV003897050.1).